The following is an entry in ClinVar:

ClinVar aggregate classification (germline): Likely benign. Review status: reviewed by expert panel (3 of 4 stars). 4 submissions from 4 submitters: Likely benign (1). 3 of the submissions do not count toward it. Last evaluated 2017-06-29.

Conditions:
Hereditary cancer-predisposing syndrome. Also called: Tumor predisposition; Hereditary Cancer Syndrome; Hereditary neoplastic syndrome; Neoplastic Syndromes, Hereditary. Identifiers: Orphanet 140162, MedGen C0027672, MeSH D009386, MONDO:0015356.
Hereditary breast ovarian cancer syndrome. Also called: Hereditary breast and ovarian cancer; Breast and ovarian cancer; BRCA1- and BRCA2-Associated Hereditary Breast and Ovarian Cancer; Hereditary breast and ovarian cancer syndrome; Hereditary breast and ovarian cancer syndrome (HBOC); Hereditary breast and/or ovarian cancer syndrome. Identifiers: Orphanet 145, MedGen C0677776, MeSH D061325, MONDO:0003582. Disease mechanism: loss of function.
Breast-ovarian cancer, familial, susceptibility to, 2 (BROVCA2). Also called: BRCA2 Hereditary Breast and Ovarian Cancer. Identifiers: Orphanet 145, MedGen C2675520, MONDO:0012933, OMIM 612555. Disease mechanism: loss of function.

Submissions (4):

Evidence-based Network for the Interpretation of Germline Mutant Alleles (ENIGMA)
Classification: Likely benign for Breast-ovarian cancer, familial, susceptibility to, 2. Last evaluated: 2017-06-29. Review status: reviewed by expert panel. Criteria: ENIGMA BRCA1/2 Classification Criteria (2017-06-29). Collection method: curation. Allele origin: germline.
Comment: Synonymous substitution variant, with low bioinformatic likelihood to result in a splicing aberration (Splicing prior probability 0.02).

Labcorp Genetics (formerly Invitae), Labcorp
Classification: Likely benign for Hereditary breast ovarian cancer syndrome. Last evaluated: 2025-09-29. Review status: criteria provided, single submitter. Criteria: Invitae Variant Classification Sherloc (09022015). Collection method: clinical testing. Allele origin: germline. Not counted in ClinVar's aggregate classification.

Quest Diagnostics Nichols Institute San Juan Capistrano
Classification: Likely benign. Last evaluated: 2020-07-07. Review status: criteria provided, single submitter. Criteria: Quest Diagnostics criteria. Collection method: clinical testing. Allele origin: unknown. Not counted in ClinVar's aggregate classification.

Ambry Genetics
Classification: Likely benign for Hereditary cancer-predisposing syndrome. Last evaluated: 2019-07-29. Review status: criteria provided, single submitter. Criteria: Ambry Variant Classification Scheme 2023. Collection method: clinical testing. Allele origin: germline. Not counted in ClinVar's aggregate classification.

NM_000059.4(BRCA2):c.3735G>A (p.Glu1245=)

Gene: BRCA2 (BRCA2 DNA repair associated; plus strand). Cytogenetic location: 13q13.1.
Variant type: single nucleotide variant.
Coding change: c.3735G>A on transcript NM_000059.4 (MANE Select); coding-DNA position 3735, G replaced by A.
Protein change: p.Glu1245=; no amino-acid change (glutamic acid 1245 retained).
Molecular consequence: synonymous variant.
Genome position (GRCh38, 1-based): chr13:32,338,090, G>A. VCF-style: chr13-32338090-G-A. GRCh37 (hg19) VCF-style: chr13-32912227-G-A.
Identifiers: ClinVar variation 236856 (VCV000236856.14), dbSNP rs878853574, ClinGen allele CA10583094.